The following is an entry in ClinVar:

ClinVar aggregate classification (germline): Uncertain significance. Review status: criteria provided, multiple submitters, no conflicts (2 of 4 stars). 2 submissions from 2 submitters: Uncertain significance (2). Last evaluated 2025-10-22.

Conditions:
Inborn genetic diseases. Identifiers: MedGen C0950123, MeSH D030342.

Allele frequency attached by ClinVar (database versions not stated): TOPMed 0.00002; ExAC 0.00018; 1000 Genomes Project 0.00040; 1000 Genomes Project 30x 0.00047.

Submissions (2):

Ambry Genetics
Classification: Uncertain significance for Inborn genetic diseases. Last evaluated: 2025-10-22. Review status: criteria provided, single submitter. Criteria: Ambry Variant Classification Scheme 2023. Collection method: clinical testing. Allele origin: germline.

Labcorp Genetics (formerly Invitae), Labcorp
Classification: Uncertain significance. Last evaluated: 2022-10-23. Review status: criteria provided, single submitter. Criteria: Invitae Variant Classification Sherloc (09022015). Collection method: clinical testing. Allele origin: germline.
Comment: In summary, the available evidence is currently insufficient to determine the role of this variant in disease. Therefore, it has been classified as a Variant of Uncertain Significance. Advanced modeling of protein sequence and biophysical properties (such as structural, functional, and spatial information, amino acid conservation, physicochemical variation, residue mobility, and thermodynamic stability) performed at Invitae indicates that this missense variant is not expected to disrupt KRT14 protein function. This sequence change replaces arginine, which is basic and polar, with histidine, which is basic and polar, at codon 41 of the KRT14 protein (p.Arg41His). This variant is present in population databases (rs566001198, gnomAD 0.03%). This variant has not been reported in the literature in individuals affected with KRT14-related conditions.

NM_000526.5(KRT14):c.122G>A (p.Arg41His)

Gene: KRT14 (keratin 14; minus strand). Cytogenetic location: 17q21.2.
Variant type: single nucleotide variant.
Coding change: c.122G>A on transcript NM_000526.5 (MANE Select); coding-DNA position 122, G replaced by A.
Protein change: p.Arg41His; replaces arginine 41 with histidine.
Molecular consequence: missense variant.
Genome position (GRCh38, 1-based): chr17:41,586,713, C>T on the plus strand (G>A on the coding strand, the complement: KRT14 is on the minus strand). VCF-style: chr17-41586713-C-T. GRCh37 (hg19) VCF-style: chr17-39742965-C-T.
Other names: c.122G>A (NM_000526.4); short protein forms R41H.
Identifiers: ClinVar variation 2171249 (VCV002171249.6), dbSNP rs566001198, ClinGen allele CA8562813.